The following is an entry in ClinVar:

NM_002887.4(RARS1):c.198G>A (p.Arg66=)

Gene: RARS1 (arginyl-tRNA synthetase 1; plus strand). Cytogenetic location: 5q34.
Variant type: single nucleotide variant.
Coding change: c.198G>A on transcript NM_002887.4 (MANE Select); coding-DNA position 198, G replaced by A.
Protein change: p.Arg66=; no amino-acid change (arginine 66 retained).
Molecular consequence: synonymous variant.
Genome position (GRCh38, 1-based): chr5:168,492,676, G>A. VCF-style: chr5-168492676-G-A. GRCh37 (hg19) VCF-style: chr5-167919681-G-A.
Identifiers: ClinVar variation 514210 (VCV000514210.1), dbSNP rs1242034525, ClinGen allele CA447552827.

ClinVar aggregate classification (germline): Likely benign (1 of 4 stars; one submission).

Allele frequency attached by ClinVar (database versions not stated): gnomAD exomes below 0.00001; TOPMed below 0.00001; gnomAD 0.00001.
gnomAD v4.1: 3 of 1,604,078 alleles (0.00019%); highest among the groups gnomAD compares: African/African-American, 0.0013%; no homozygotes.

Submission:

GeneDx
Classification: Likely benign. Last evaluated: 2018-01-03. Review status: criteria provided, single submitter. Criteria: GeneDx Variant Classification (06012015). Collection method: clinical testing. Allele origin: germline. Affected: yes.
Comment: This variant is considered likely benign or benign based on one or more of the following criteria: it is a conservative change, it occurs at a poorly conserved position in the protein, it is predicted to be benign by multiple in silico algorithms, and/or has population frequency not consistent with disease.